The following is an entry in ClinVar:

NM_002350.4(LYN):c.1310T>C (p.Val437Ala)

Gene: LYN (LYN proto-oncogene, Src family tyrosine kinase; plus strand). Cytogenetic location: 8q12.1.
Variant type: single nucleotide variant.
Coding change: c.1310T>C on transcript NM_002350.4 (MANE Select); coding-DNA position 1310, T replaced by C.
Protein change: p.Val437Ala; replaces valine 437 with alanine.
Molecular consequence: missense variant.
Genome position (GRCh38, 1-based): chr8:55,999,523, T>C. VCF-style: chr8-55999523-T-C. GRCh37 (hg19) VCF-style: chr8-56912082-T-C.
Other names: c.1247T>C, p.Val416Ala (NM_001111097.3); short protein forms V437A, V416A.
Identifiers: ClinVar variation 4721228 (VCV004721228.1).

ClinVar aggregate classification (germline): Uncertain significance (1 of 4 stars; one submission).

Submission:

Labcorp Genetics (formerly Invitae), Labcorp
Classification: Uncertain significance. Last evaluated: 2025-06-11. Review status: criteria provided, single submitter. Criteria: Invitae Variant Classification Sherloc (09022015). Collection method: clinical testing. Allele origin: germline.
Comment: This sequence change replaces valine, which is neutral and non-polar, with alanine, which is neutral and non-polar, at codon 437 of the LYN protein (p.Val437Ala). This variant is not present in population databases (gnomAD no frequency). This variant has not been reported in the literature in individuals affected with LYN-related conditions. An algorithm developed to predict the effect of missense changes on protein structure and function (PolyPhen-2) suggests that this variant is likely to be disruptive. In summary, the available evidence is currently insufficient to determine the role of this variant in disease. Therefore, it has been classified as a Variant of Uncertain Significance.